The following is an entry in ClinVar:

NM_001024630.4(RUNX2):c.377T>A (p.Leu126Gln)

Gene: RUNX2 (RUNX family transcription factor 2; plus strand). Cytogenetic location: 6p21.1.
Variant type: single nucleotide variant.
Coding change: c.377T>A on transcript NM_001024630.4 (MANE Select); coding-DNA position 377, T replaced by A.
Protein change: p.Leu126Gln; replaces leucine 126 with glutamine.
Molecular consequence: missense variant.
Genome position (GRCh38, 1-based): chr6:45,422,911, T>A. VCF-style: chr6-45422911-T-A. GRCh37 (hg19) VCF-style: chr6-45390648-T-A.
Other names: c.377T>A, p.Leu126Gln (NM_001015051.4); c.335T>A, p.Leu112Gln (NM_001278478.2, NM_001369405.1); short protein forms L112Q, L126Q.
Identifiers: ClinVar variation 1676019 (VCV001676019.33), dbSNP rs2150362641, ClinGen allele CA363958604.

ClinVar aggregate classification (germline): Uncertain significance (1 of 4 stars; one submission).

Submission:

CeGaT Center for Human Genetics Tuebingen
Classification: Uncertain significance. Last evaluated: 2022-03-01. Review status: criteria provided, single submitter. Criteria: CeGaT Center For Human Genetics Tuebingen Variant Classification Criteria Version 2. Collection method: clinical testing. Allele origin: germline. Affected: yes. Observed: 1 variant allele.
Comment: RUNX2: PM2, PP3, PP4